The following is an entry in ClinVar:

ClinVar aggregate classification (germline): Uncertain significance (1 of 4 stars; one submission).

Conditions:
Symmetrical dyschromatosis of extremities (DSH). Also called: DYSCHROMATOSIS SYMMETRICA HEREDITARIA 1; RETICULATE ACROPIGMENTATION OF DOHI; SYMMETRIC DYSCHROMATOSIS OF THE EXTREMITIES; Dyschromatosis symmetrica hereditaria. Identifiers: Orphanet 41, MedGen C0406775, MONDO:0007483, OMIM 127400.
Aicardi-Goutieres syndrome 6 (AGS6). Identifiers: Orphanet 51, MedGen C3539013, MONDO:0014007, OMIM 615010.

Submission:

Labcorp Genetics (formerly Invitae), Labcorp
Classification: Uncertain significance for Aicardi-Goutieres syndrome 6; Symmetrical dyschromatosis of extremities. Last evaluated: 2023-09-06. Review status: criteria provided, single submitter. Criteria: Invitae Variant Classification Sherloc (09022015). Collection method: clinical testing. Allele origin: germline.
Comment: In summary, the available evidence is currently insufficient to determine the role of this variant in disease. Therefore, it has been classified as a Variant of Uncertain Significance. Advanced modeling of protein sequence and biophysical properties (such as structural, functional, and spatial information, amino acid conservation, physicochemical variation, residue mobility, and thermodynamic stability) has been performed at Invitae for this missense variant, however the output from this modeling did not meet the statistical confidence thresholds required to predict the impact of this variant on ADAR protein function. This variant has not been reported in the literature in individuals affected with ADAR-related conditions. This variant is not present in population databases (gnomAD no frequency). This sequence change replaces leucine, which is neutral and non-polar, with valine, which is neutral and non-polar, at codon 569 of the ADAR protein (p.Leu569Val).

NM_001111.5(ADAR):c.1705C>G (p.Leu569Val)

Gene: ADAR (adenosine deaminase RNA specific; minus strand). Cytogenetic location: 1q21.3.
Variant type: single nucleotide variant.
Coding change: c.1705C>G on transcript NM_001111.5 (MANE Select); coding-DNA position 1705, C replaced by G.
Protein change: p.Leu569Val; replaces leucine 569 with valine.
Molecular consequence: missense variant.
Genome position (GRCh38, 1-based): chr1:154,598,482, G>C on the plus strand (C>G on the coding strand, the complement: ADAR is on the minus strand). VCF-style: chr1-154598482-G-C. GRCh37 (hg19) VCF-style: chr1-154570958-G-C.
Other names: c.820C>G, p.Leu274Val (NM_001025107.3, NM_001193495.2, NM_001365046.1 and 3 more transcripts); c.1732C>G, p.Leu578Val (NM_001365045.1); c.1705C>G, p.Leu569Val (NM_015840.4, NM_015841.4); short protein forms L569V, L274V, L578V.
Identifiers: ClinVar variation 2951672 (VCV002951672.3), dbSNP rs2526613042, ClinGen allele CA342639519.
Genomic context (GRCh38, chr1:154,598,482, plus strand): 5'-TGGAATAGTGGGATGATTCTTCTGATTTTCCACTGTCCTTGGCTTTGGCTTCCTCTAGCA[G>C]AATTGTCATGGCTTTCATAGCTGCATCCTGCTTGGCCACTTTCTTGCTTCCAGCTTCAGC-3'
Protein context (NP_001102.3, residues 559-579): QDAAMKAMTI[Leu569Val]LEEAKAKDSG